The following is an entry in ClinVar:

ClinVar aggregate classification (germline): Uncertain significance (1 of 4 stars; one submission).

Conditions:
Autosomal dominant limb-girdle muscular dystrophy type 1D (DNAJB6) (LGMDD1). Also called: MUSCULAR DYSTROPHY, LIMB-GIRDLE, TYPE 1D; MUSCULAR DYSTROPHY, AUTOSOMAL DOMINANT, WITH RIMMED VACUOLES; Autosomal dominant limb-girdle muscular dystrophy type 1D; Muscular dystrophy, limb-girdle, autosomal dominant 1. Identifiers: Orphanet 34516, MedGen C4721885, MONDO:0021018, OMIM 603511.

Submission:

Labcorp Genetics (formerly Invitae), Labcorp
Classification: Uncertain significance for Autosomal dominant limb-girdle muscular dystrophy type 1D (DNAJB6). Last evaluated: 2023-09-04. Review status: criteria provided, single submitter. Criteria: Invitae Variant Classification Sherloc (09022015). Collection method: clinical testing. Allele origin: germline.
Comment: This sequence change replaces proline, which is neutral and non-polar, with phenylalanine, which is neutral and non-polar, at codon 263 of the DNAJB6 protein (p.Pro263Phe). Information on the frequency of this variant in the gnomAD database is not available, as this variant may be reported differently in the database. This variant has not been reported in the literature in individuals affected with DNAJB6-related conditions. Experimental studies and prediction algorithms are not available or were not evaluated, and the functional significance of this variant is currently unknown. In summary, the available evidence is currently insufficient to determine the role of this variant in disease. Therefore, it has been classified as a Variant of Uncertain Significance.

NM_058246.4(DNAJB6):c.787_788delinsTT (p.Pro263Phe)

Gene: DNAJB6 (DnaJ heat shock protein family (Hsp40) member B6; plus strand). Cytogenetic location: 7q36.3.
Variant type: Indel.
Coding change: c.787_788delinsTT on transcript NM_058246.4 (MANE Select); coding-DNA positions 787 to 788, CC replaced by TT.
Protein change: p.Pro263Phe; replaces proline 263 with phenylalanine.
Molecular consequence: missense variant.
Genome position (GRCh38, 1-based): chr7:157,409,890-157,409,891, CC replaced by TT. VCF-style: chr7-157409890-CC-TT. GRCh37 (hg19) VCF-style: chr7-157202584-CC-TT.
Other names: c.442_443delinsTT, p.Pro148Phe (NM_001363676.1); short protein forms P148F, P263F.
Identifiers: ClinVar variation 2757772 (VCV002757772.3), dbSNP rs2536205919, ClinGen allele CA2697549721.
Genomic context (GRCh38, chr7:157,409,890, plus strand): 5'-ATGCGGAGAGGCCAGAACGCCCTGCCAGCCCAGCCTGCCGGCCTCCGCCCGCCGAAGCCG[CC>TT]CCGGCCTGCCTCGCTGCTGAGACACGCGCCTCACTGTCTCTCTGAGGAGGAGGGCGAGCA-3'
Protein context (NP_490647.1, residues 253-273): QPAGLRPPKP[Pro263Phe]RPASLLRHAP